The following is an entry in ClinVar:

NM_002408.4(MGAT2):c.153C>T (p.Gly51=)

Gene: MGAT2 (alpha-1,6-mannosyl-glycoprotein 2-beta-N-acetylglucosaminyltransferase; plus strand). Cytogenetic location: 14q21.3.
Variant type: single nucleotide variant.
Coding change: c.153C>T on transcript NM_002408.4 (MANE Select); coding-DNA position 153, C replaced by T.
Protein change: p.Gly51=; no amino-acid change (glycine 51 retained).
Molecular consequence: synonymous variant.
Genome position (GRCh38, 1-based): chr14:49,621,421, C>T. VCF-style: chr14-49621421-C-T. GRCh37 (hg19) VCF-style: chr14-50088139-C-T.
Identifiers: ClinVar variation 514205 (VCV000514205.9), dbSNP rs754480382, ClinGen allele CA7172477.
Genomic context (GRCh38, chr14:49,621,421, plus strand): 5'-AAGGAAGAACGAGGCCCTCGCCCCACCGTTGCTGGACGCCGAACCCGCGCGGGGTGCCGG[C>T]GGCCGCGGTGGGGACCACCCCTCTGTGGCTGTGGGCATCCGCAGGGTCTCCAACGTGTCG-3'
Protein context (NP_002399.1, residues 41-61): LLDAEPARGA[Gly51=]GRGGDHPSVA

ClinVar aggregate classification (germline): Likely benign. Review status: criteria provided, multiple submitters, no conflicts (2 of 4 stars). 2 submissions from 2 submitters: Likely benign (2). Last evaluated 2025-07-23.

Conditions:
MGAT2-congenital disorder of glycosylation. Also called: CDG IIa; Congenital disorder of glycosylation, type IIa; MGAT2-CDG; MENTAL RETARDATION, GROWTH RETARDATION, PROMINENT COLUMELLA, AND OPEN MOUTH; Alkuraya syndrome. Identifiers: Orphanet 79329, MedGen C2931008, MONDO:0008908, OMIM 212066.

Allele frequency attached by ClinVar (database versions not stated): gnomAD 0.00002; gnomAD exomes 0.00006 and 0.00014; TOPMed 0.00006; ExAC 0.00014.

Submissions (2):

Labcorp Genetics (formerly Invitae), Labcorp
Classification: Likely benign for MGAT2-congenital disorder of glycosylation. Last evaluated: 2025-07-23. Review status: criteria provided, single submitter. Criteria: Invitae Variant Classification Sherloc (09022015). Collection method: clinical testing. Allele origin: germline.

GeneDx
Classification: Likely benign. Last evaluated: 2018-01-08. Review status: criteria provided, single submitter. Criteria: GeneDx Variant Classification (06012015). Collection method: clinical testing. Allele origin: germline. Affected: yes.
Comment: This variant is considered likely benign or benign based on one or more of the following criteria: it is a conservative change, it occurs at a poorly conserved position in the protein, it is predicted to be benign by multiple in silico algorithms, and/or has population frequency not consistent with disease.